The following is an entry in ClinVar:

NM_201253.3(CRB1):c.3974_3976dup (p.Val1325dup)

Gene: CRB1 (crumbs cell polarity complex component 1; plus strand). Cytogenetic location: 1q31.3.
Variant type: Duplication.
Coding change: c.3974_3976dup on transcript NM_201253.3 (MANE Select); coding-DNA positions 3974 to 3976, 3 bases duplicated (TTG; older notation c.3974_3976dupTTG).
Protein change: p.Val1325dup; duplicates valine 1325.
Molecular consequence: inframe insertion. On other transcripts: non-coding transcript variant (2).
Genome position (GRCh38, 1-based): chr1:197,442,261-197,442,263, TTG duplicated; duplicating any 3 consecutive bases within chr1:197,442,259-197,442,263 gives the same sequence; the c. name uses the placement nearest the transcript's 3' end. VCF-style (leftmost placement, unchanged base first): chr1-197442258-A-ATGT. GRCh37 (hg19) VCF-style: chr1-197411388-A-ATGT.
Other names: c.3638_3640dup, p.Val1213dup (NM_001193640.2); c.3902_3904dup, p.Val1301dup (NM_001257965.2); c.2366_2368dup, p.Val789dup (NM_001257966.2).
Identifiers: ClinVar variation 1016717 (VCV001016717.4), dbSNP rs750573216, ClinGen allele CA1312453.
Genomic context (GRCh38, chr1:197,442,258, plus strand): 5'-ATCCGTGTGTCAATGGAGGTCTGTGCCAGGACTTACTCAACAAATTCCAGTGCCTCTGTG[A>ATGT]TGTTGCCTTTGCTGGCGAGCGCTGCGAGGTGGACGTAAGCAGCCTCTCCTTTTATGTCTC-3'

ClinVar aggregate classification (germline): Uncertain significance. Review status: criteria provided, single submitter (1 of 4 stars). 3 submissions from 3 submitters: Uncertain significance (1). 2 of the submissions do not count toward it. Last evaluated 2022-08-05.

Conditions:
Leber congenital amaurosis 8 (LCA8). Identifiers: Orphanet 65, MedGen C3151202, MONDO:0013453, OMIM 613835.
Retinitis pigmentosa 12 (RP12). Also called: RP WITH OR WITHOUT PRESERVED PARAARTERIOLE RETINAL PIGMENT EPITHELIUM; RETINITIS PIGMENTOSA WITH OR WITHOUT PARAARTERIOLAR PRESERVATION OF RETINAL PIGMENT EPITHELIUM; RP WITH OR WITHOUT PPRPE. Identifiers: Orphanet 791, MedGen C1838647, MONDO:0010818, OMIM 600105.
Retinal dystrophy. Also called: Inherited retinal dystrophy. Identifiers: Orphanet 71862, MedGen C0854723, MeSH D058499, MONDO:0019118, HP:0000556.
Leber congenital amaurosis (LCA). Also called: Leber's amaurosis. Identifiers: Orphanet 65, MedGen C0339527, MeSH D057130, MONDO:0018998.

Submissions (3):

Labcorp Genetics (formerly Invitae), Labcorp
Classification: Uncertain significance for Leber congenital amaurosis 8; Retinitis pigmentosa 12. Last evaluated: 2022-08-05. Review status: criteria provided, single submitter. Criteria: Invitae Variant Classification Sherloc (09022015). Collection method: clinical testing. Allele origin: germline.
Comment: This variant, c.3974_3976dup, results in the insertion of 1 amino acid(s) of the CRB1 protein (p.Val1325dup), but otherwise preserves the integrity of the reading frame. This variant is present in population databases (rs750573216, gnomAD 0.009%). This variant has not been reported in the literature in individuals affected with CRB1-related conditions. ClinVar contains an entry for this variant (Variation ID: 1016717). In summary, the available evidence is currently insufficient to determine the role of this variant in disease. Therefore, it has been classified as a Variant of Uncertain Significance.

Natera, Inc.
Classification: Uncertain significance for Leber congenital amaurosis. Last evaluated: 2020-07-09. Review status: no assertion criteria provided. Collection method: clinical testing. Allele origin: germline. Not counted in ClinVar's aggregate classification.

Institute of Human Genetics, Univ. Regensburg, Univ. Regensburg
Classification: Uncertain significance for Retinal dystrophy. Last evaluated: 2016-01-01. Review status: no assertion criteria provided. Criteria: ACMG Guidelines, 2015. Collection method: clinical testing. Allele origin: germline. Affected: yes. Not counted in ClinVar's aggregate classification.